The following is an entry in ClinVar:

ClinVar aggregate classification (germline): Likely benign. Review status: criteria provided, multiple submitters, no conflicts (2 of 4 stars). 3 submissions from 3 submitters: Likely benign (2). 1 of the submissions does not count toward it. Last evaluated 2024-05-09.

Conditions:
Pierson syndrome. Also called: MICROCORIA-CONGENITAL NEPHROTIC SYNDROME. Identifiers: Orphanet 2670, MedGen C1836876, MONDO:0012184, OMIM 609049.
LAMB2-related infantile-onset nephrotic syndrome. Also called: NEPHROTIC SYNDROME, TYPE 5, WITHOUT OCULAR ABNORMALITIES; NEPHROTIC SYNDROME, TYPE 5, WITH OCULAR ABNORMALITIES; Nephrotic Syndrome, type 5. Identifiers: Orphanet 306507, MedGen C3280113, MONDO:0013621, OMIM 614199.
LAMB2-related disorder. Also called: LAMB2-related condition.

Allele frequency attached by ClinVar (database versions not stated): ExAC 0.00001; gnomAD 0.00002; TOPMed 0.00002.
gnomAD v4.1: 48 of 1,610,604 alleles (0.003%); highest among the groups gnomAD compares: East Asian, 0.0067%; no homozygotes.

Submissions (3):

Labcorp Genetics (formerly Invitae), Labcorp
Classification: Likely benign for LAMB2-related infantile-onset nephrotic syndrome; Pierson syndrome. Last evaluated: 2024-05-09. Review status: criteria provided, single submitter. Criteria: Invitae Variant Classification Sherloc (09022015). Collection method: clinical testing. Allele origin: germline.

Blueprint Genetics
Classification: Likely benign. Last evaluated: 2024-02-26. Review status: criteria provided, single submitter. Criteria: ACMG Guidelines, 2015. Collection method: clinical testing. Allele origin: germline.

PreventionGenetics, part of Exact Sciences
Classification: Likely benign for LAMB2-related condition. Last evaluated: 2020-07-08. Review status: no assertion criteria provided. Collection method: clinical testing. Allele origin: germline. Not counted in ClinVar's aggregate classification.
Comment: This variant is classified as likely benign based on ACMG/AMP sequence variant interpretation guidelines (Richards et al. 2015 PMID: 25741868, with internal and published modifications).

NM_002292.4(LAMB2):c.1519-7C>T

Gene: LAMB2 (laminin subunit beta 2; minus strand). Cytogenetic location: 3p21.31.
Variant type: single nucleotide variant.
Coding change: c.1519-7C>T on transcript NM_002292.4 (MANE Select); 7 bases into the intron before coding-DNA position 1519, C replaced by T.
Molecular consequence: intron variant.
Genome position (GRCh38, 1-based): chr3:49,129,331, G>A on the plus strand (C>T on the coding strand, the complement: LAMB2 is on the minus strand). VCF-style: chr3-49129331-G-A. GRCh37 (hg19) VCF-style: chr3-49166764-G-A.
Other names: c.1519-7C>T (NM_002292.3).
Identifiers: ClinVar variation 2191505 (VCV002191505.7), dbSNP rs763924308, ClinGen allele CA2394566.